The following is an entry in ClinVar:

ClinVar aggregate classification (germline): Uncertain significance (1 of 4 stars; one submission).

Conditions:
Fetal anomalies with a likely genetic cause.

Submission:

Genetics Laboratory, Great Ormond Street Hospital NHS Foundation Trust, North Thames Genomic Laboratory Hub
Classification: Uncertain significance for Fetal anomalies with a likely genetic cause. Last evaluated: 2026-06-19. Review status: criteria provided, single submitter. Criteria: ACGS Best Practice Guidelines for Variant Classification in Rare Disease 2024 v1.2. Collection method: clinical testing. Allele origin: germline. Affected: yes.
Comment: PM2_moderate, PM4_moderate, PM3_supporting

NM_147127.5(EVC2):c.873_874insGTGCCGCACCACGGC (p.Val291_Leu292insValProHisHisGly)

Gene: EVC2 (EvC ciliary complex subunit 2; minus strand). Cytogenetic location: 4p16.2.
Variant type: Insertion.
Coding change: c.873_874insGTGCCGCACCACGGC on transcript NM_147127.5 (MANE Select); coding-DNA positions 873 to 874, GTGCCGCACCACGGC inserted.
Protein change: p.Val291_Leu292insValProHisHisGly.
Molecular consequence: inframe insertion.
Genome position: GRCh38 VCF-style: chr4-5665646-G-GGCCGTGGTGCGGCAC. GRCh37 (hg19) VCF-style: chr4-5667373-G-GGCCGTGGTGCGGCAC.
Other names: c.633_634insGTGCCGCACCACGGC, p.Val211_Leu212insValProHisHisGly (NM_001166136.2).
Identifiers: ClinVar variation 4884745 (VCV004884745.1).
Genomic context (GRCh38, chr4:5,665,646, plus strand): 5'-GCACAAGGGAGAGGAGGAAGGCAATGAAGAACCCTGCTGCGTGGAGGCCGTGGTGCGGCA[G>GGCCGTGGTGCGGCAC]AACCTGTGGAGACAAGAGGAGAGCAGGATTCATGTGTGGTCAGACAGCATGTCTCCCAGG-3'